The following is an entry in ClinVar:

NM_000155.4(GALT):c.239G>T (p.Arg80Leu)

Genes: GALT (galactose-1-phosphate uridylyltransferase; plus strand), LOC130001683 (ATAC-STARR-seq lymphoblastoid active region 28314; plus strand). Cytogenetic location: 9p13.3.
Variant type: single nucleotide variant.
Coding change: c.239G>T on transcript NM_000155.4 (MANE Select); coding-DNA position 239, G replaced by T.
Protein change: p.Arg80Leu; replaces arginine 80 with leucine.
Molecular consequence: missense variant. On other transcripts: nonsense (1).
Genome position (GRCh38, 1-based): chr9:34,647,245, G>T. VCF-style: chr9-34647245-G-T. GRCh37 (hg19) VCF-style: chr9-34647242-G-T.
Other names: p.Arg80Leu; c.37G>T, p.Glu13Ter (NM_001258332.2); short protein forms R80L, E13*.
Identifiers: ClinVar variation 4541434 (VCV004541434.2).

ClinVar aggregate classification (germline): Conflicting classifications of pathogenicity. Review status: criteria provided, conflicting classifications (1 of 4 stars). 2 submissions from 2 submitters: Likely pathogenic (1); Uncertain significance (1). Last evaluated 2025-11-26.

Conditions:
Deficiency of UDPglucose-hexose-1-phosphate uridylyltransferase. Also called: GALT deficiency; Galactosemia, classic; Transferase Deficiency Galactosemia; GALACTOSEMIA I; GALACTOSE-1-PHOSPHATE URIDYLYLTRANSFERASE DEFICIENCY. Identifiers: Orphanet 352, Orphanet 79239, MedGen C0268151, MONDO:0009258, OMIM 230400.

Submissions (2):

Labcorp Genetics (formerly Invitae), Labcorp
Classification: Uncertain significance for Deficiency of UDPglucose-hexose-1-phosphate uridylyltransferase. Last evaluated: 2025-11-26. Review status: criteria provided, single submitter. Criteria: Invitae Variant Classification Sherloc (09022015). Collection method: clinical testing. Allele origin: germline.
Comment: This sequence change replaces arginine, which is basic and polar, with leucine, which is neutral and non-polar, at codon 80 of the GALT protein (p.Arg80Leu). This variant is not present in population databases (gnomAD no frequency). This variant has not been reported in the literature in individuals affected with GALT-related conditions. Invitae Evidence Modeling of protein sequence and biophysical properties (such as structural, functional, and spatial information, amino acid conservation, physicochemical variation, residue mobility, and thermodynamic stability) indicates that this missense variant is expected to disrupt GALT protein function with a positive predictive value of 95%. In summary, the available evidence is currently insufficient to determine the role of this variant in disease. Therefore, it has been classified as a Variant of Uncertain Significance.

Mayo Clinic Laboratories, Mayo Clinic
Classification: Likely pathogenic. Last evaluated: 2025-09-08. Review status: criteria provided, single submitter. Criteria: ACMG Guidelines, 2015. Collection method: clinical testing. Allele origin: germline. Observed: 1 variant allele.
Comment: PP3_strong, PP4, PM2_supporting